The following is an entry in ClinVar:

NM_000632.4(ITGAM):c.526G>A (p.Val176Met)

Gene: ITGAM (integrin subunit alpha M; plus strand). Cytogenetic location: 16p11.2.
Variant type: single nucleotide variant.
Coding change: c.526G>A on transcript NM_000632.4 (MANE Select); coding-DNA position 526, G replaced by A.
Protein change: p.Val176Met; replaces valine 176 with methionine.
Molecular consequence: missense variant.
Genome position (GRCh38, 1-based): chr16:31,271,052, G>A. VCF-style: chr16-31271052-G-A. GRCh37 (hg19) VCF-style: chr16-31282373-G-A.
Other names: c.526G>A, p.Val176Met (NM_001145808.2); short protein forms V176M.
Identifiers: ClinVar variation 2557870 (VCV002557870.4), dbSNP rs1216278486, ClinGen allele CA395689802.
Genomic context (GRCh38, chr16:31,271,052, plus strand): 5'-GATGGCTCTGGTAGCATCATCCCACATGACTTTCGGCGGATGAAGGAGTTTGTCTCAACT[G>A]TGATGGAGCAATTAAAAAAGTCCAAAACCTTGGTGAGGGCCCAGGGGTAGGTTAGGGAAG-3'
Protein context (NP_000623.2, residues 166-186): FRRMKEFVST[Val176Met]MEQLKKSKTL

ClinVar aggregate classification (germline): Conflicting classifications of pathogenicity. Review status: criteria provided, conflicting classifications (1 of 4 stars). 2 submissions from 2 submitters: Uncertain significance (1); Likely benign (1). Last evaluated 2025-12-03.

Allele frequency attached by ClinVar (database versions not stated): gnomAD 0.00001; gnomAD exomes below 0.00001; TOPMed 0.00002.
gnomAD v4.1: 4 of 1,579,746 alleles (0.00025%); highest among the groups gnomAD compares: African/African-American, 0.0054%; no homozygotes.

Submissions (2):

Labcorp Genetics (formerly Invitae), Labcorp
Classification: Uncertain significance. Last evaluated: 2025-12-03. Review status: criteria provided, single submitter. Criteria: Invitae Variant Classification Sherloc (09022015). Collection method: clinical testing. Allele origin: germline.
Comment: This sequence change replaces valine, which is neutral and non-polar, with methionine, which is neutral and non-polar, at codon 176 of the ITGAM protein (p.Val176Met). This variant is present in population databases (no rsID available, gnomAD 0.01%). This variant has not been reported in the literature in individuals affected with ITGAM-related conditions. ClinVar contains an entry for this variant (Variation ID: 2557870). An algorithm developed to predict the effect of missense changes on protein structure and function outputs the following: PolyPhen-2: "Benign". The methionine amino acid residue is found in multiple mammalian species, which suggests that this missense change does not adversely affect protein function. In summary, the available evidence is currently insufficient to determine the role of this variant in disease. Therefore, it has been classified as a Variant of Uncertain Significance.

Ambry Genetics
Classification: Likely benign. Last evaluated: 2023-06-06. Review status: criteria provided, single submitter. Criteria: Ambry Variant Classification Scheme 2023. Collection method: clinical testing. Allele origin: germline.